The following is an entry in ClinVar:

NM_000020.3(ACVRL1):c.231C>G (p.Cys77Trp)

Gene: ACVRL1 (activin A receptor like type 1; plus strand). Cytogenetic location: 12q13.13.
Variant type: single nucleotide variant.
Coding change: c.231C>G on transcript NM_000020.3 (MANE Select); coding-DNA position 231, C replaced by G.
Protein change: p.Cys77Trp; replaces cysteine 77 with tryptophan.
Molecular consequence: missense variant.
Genome position (GRCh38, 1-based): chr12:51,913,268, C>G. VCF-style: chr12-51913268-C-G. GRCh37 (hg19) VCF-style: chr12-52307052-C-G.
Other names: c.231C>G, p.Cys77Trp (NM_001077401.2); short protein forms C77W.
Identifiers: ClinVar variation 951985 (VCV000951985.10), dbSNP rs1221689111, ClinGen allele CA384897959.

ClinVar aggregate classification (germline): Pathogenic/Likely pathogenic. Review status: criteria provided, multiple submitters, no conflicts (2 of 4 stars). 2 submissions from 2 submitters: Pathogenic (1); Likely pathogenic (1). Last evaluated 2026-07-16.

Conditions:
Cardiovascular phenotype. Identifiers: MedGen CN230736.
Telangiectasia, hereditary hemorrhagic, type 2 (HHT2). Also called: Telangiectasia, hereditary hemorrhagic, type II; ACVRL1-Related Hereditary Hemorrhagic Telangiectasia. Identifiers: Orphanet 774, MedGen C1838163, MONDO:0010880, OMIM 600376. Disease mechanism: loss of function.

Submissions (2):

Ambry Genetics
Classification: Likely pathogenic for Cardiovascular phenotype. Last evaluated: 2026-07-16. Review status: criteria provided, single submitter. Criteria: Ambry Variant Classification Scheme 2023. Collection method: clinical testing. Allele origin: germline.
Comment: The p.C77W variant (also known as c.231C>G), located in coding exon 2 of the ACVRL1 gene, results from a C to G substitution at nucleotide position 231. The cysteine at codon 77 is replaced by tryptophan, an amino acid with highly dissimilar properties. This variant was reported in individual(s) with features consistent with ACVRL1-related vascular disorder (Klaus DJ et al. Hum Mutat, 1998;12:137; Giorgio V et al. Ital J Pediatr, 2025 Sep;51:268; Ambry internal data). This amino acid position is highly conserved in available vertebrate species. In addition, this alteration is predicted to be deleterious by in silico analysis. This variant is considered to be rare based on population cohorts in the Genome Aggregation Database (gnomAD). Based on the majority of available evidence to date, this variant is likely to be pathogenic.

Labcorp Genetics (formerly Invitae), Labcorp
Classification: Pathogenic for Telangiectasia, hereditary hemorrhagic, type 2. Last evaluated: 2019-08-08. Review status: criteria provided, single submitter. Criteria: Invitae Variant Classification Sherloc (09022015). Collection method: clinical testing. Allele origin: germline.
Comment: This variant affects a cysteine residue located within the ACVRL1 protein ectodomain. Cysteine residues in this domain of ACVRL1 are involved in the formation of disulfide bridges critical for protein structure and stability (PMID: 22028876, 22718755, 22799562). In addition, missense substitutions within the ACVRL1 ectodomain affecting cysteine residues are overrepresented in patients with HHT (PMID: 20501893, 26176610 and an online resource). For these reasons, this variant has been classified as Pathogenic. This variant disrupts the p.Cys77 amino acid residue in ACVRL1. Other variant(s) that disrupt this residue have been observed in individuals with ACVRL1-related conditions (PMID: 26176610, 17786384), which suggests that this may be a clinically significant amino acid residue. This sequence change replaces cysteine with tryptophan at codon 77 of the ACVRL1 protein (p.Cys77Trp). The cysteine residue is highly conserved and there is a large physicochemical difference between cysteine and tryptophan. This variant is not present in population databases (ExAC no frequency). This variant has been observed in several individuals with clinical features of hereditary hemorrhagic telangiectasia (HHT) (PMID: 10694922, 16690726, Invitae). This variant has been reported to affect ACVRL1 protein function (PMID: 20501893, 14684682).

Literature cited by the submitters: PubMed 10694922 (cited by Ambry Genetics and Labcorp Genetics (formerly Invitae), Labcorp); PubMed 40993782 (cited by Ambry Genetics); PubMed 22028876 (cited by Labcorp Genetics (formerly Invitae), Labcorp); PubMed 22718755 (cited by Labcorp Genetics (formerly Invitae), Labcorp); PubMed 22799562 (cited by Labcorp Genetics (formerly Invitae), Labcorp); PubMed 20501893 (cited by Labcorp Genetics (formerly Invitae), Labcorp); PubMed 26176610 (cited by Labcorp Genetics (formerly Invitae), Labcorp); PubMed 17786384 (cited by Labcorp Genetics (formerly Invitae), Labcorp); PubMed 16690726 (cited by Labcorp Genetics (formerly Invitae), Labcorp); PubMed 14684682 (cited by Labcorp Genetics (formerly Invitae), Labcorp).